The following is an entry in ClinVar:

ClinVar aggregate classification (germline): Pathogenic (1 of 4 stars; one submission).

Submission:

Labcorp Genetics (formerly Invitae), Labcorp
Classification: Pathogenic. Last evaluated: 2023-10-06. Review status: criteria provided, single submitter. Criteria: Invitae Variant Classification Sherloc (09022015). Collection method: clinical testing. Allele origin: unknown.
Comment: This variant is a gross deletion of the genomic region encompassing exon(s) 6 of the XPA gene, which includes the termination codon. This deletion extends beyond the assayed region for this gene and therefore may encompass additional genes. While this deletion is not anticipated to lead to nonsense mediated decay, it is expected to alter mRNA translation or result in a truncated protein product. This variant has not been reported in the literature in individuals affected with XPA-related conditions. This variant disrupts a region of the XPA protein in which other variant(s) (p.Arg258Tyrfs*5) have been determined to be pathogenic (PMID: 31478152; Invitae). This suggests that this is a clinically significant region of the protein, and that variants that disrupt it are likely to be disease-causing. For these reasons, this variant has been classified as Pathogenic.

Literature cited by the submitters: PubMed 31478152.

NC_000009.11:g.(?_100437721)_(100437889_?)del

Gene: XPA (XPA, DNA damage recognition and repair factor; minus strand). Cytogenetic location: 9q22.33.
Variant type: Deletion.
Identifiers: ClinVar variation 3245283 (VCV003245283.1).